The following is an entry in ClinVar:

ClinVar aggregate classification (germline): Likely benign. Review status: criteria provided, single submitter (1 of 4 stars). 2 submissions from 2 submitters: Likely benign (1). 1 of the submissions does not count toward it. Last evaluated 2024-11-27.

Conditions:
LHX3-related disorder. Also called: LHX3-related condition.

gnomAD v4.1: 285 of 1,591,380 alleles (0.018%); highest among the groups gnomAD compares: East Asian, 0.44%; no homozygotes.

Submissions (2):

Blueprint Genetics
Classification: Likely benign. Last evaluated: 2024-11-27. Review status: criteria provided, single submitter. Criteria: ACMG Guidelines, 2015. Collection method: clinical testing. Allele origin: germline.

PreventionGenetics, part of Exact Sciences
Classification: Likely benign for LHX3-related condition. Last evaluated: 2024-04-02. Review status: no assertion criteria provided. Collection method: clinical testing. Allele origin: germline. Not counted in ClinVar's aggregate classification.
Comment: This variant is classified as likely benign based on ACMG/AMP sequence variant interpretation guidelines (Richards et al. 2015 PMID: 25741868, with internal and published modifications).

NM_178138.6(LHX3):c.21C>G (p.Leu7=)

Gene: LHX3 (LIM homeobox 3; minus strand). Cytogenetic location: 9q34.3.
Variant type: single nucleotide variant.
Coding change: c.21C>G on transcript NM_178138.6 (MANE Select); coding-DNA position 21, C replaced by G.
Protein change: p.Leu7=; no amino-acid change (leucine 7 retained).
Molecular consequence: synonymous variant.
Genome position (GRCh38, 1-based): chr9:136,204,992, G>C on the plus strand (C>G on the coding strand, the complement: LHX3 is on the minus strand). VCF-style: chr9-136204992-G-C. GRCh37 (hg19) VCF-style: chr9-139096838-G-C.
Identifiers: ClinVar variation 3353619 (VCV003353619.2).